The following is an entry in ClinVar:

NM_001035.3(RYR2):c.13216A>T (p.Met4406Leu)

Genes: RYR2 (ryanodine receptor 2; plus strand), LOC126806068 (BRD4-independent group 4 enhancer GRCh37_chr1:237947411-237948610; plus strand). Cytogenetic location: 1q43.
Variant type: single nucleotide variant.
Coding change: c.13216A>T on transcript NM_001035.3 (MANE Select); coding-DNA position 13216, A replaced by T.
Protein change: p.Met4406Leu; replaces methionine 4406 with leucine.
Molecular consequence: missense variant.
Genome position (GRCh38, 1-based): chr1:237,784,928, A>T. VCF-style: chr1-237784928-A-T. GRCh37 (hg19) VCF-style: chr1-237948228-A-T.
Other names: c.13216A>T (NM_001035.2); short protein forms M4406L.
Identifiers: ClinVar variation 1171449 (VCV001171449.13), dbSNP rs1328615953, ClinGen allele CA345415601.

ClinVar aggregate classification (germline): Uncertain significance. Review status: criteria provided, multiple submitters, no conflicts (2 of 4 stars). 4 submissions from 4 submitters: Uncertain significance (4). Last evaluated 2025-11-17.

Conditions:
Cardiomyopathy (CMYO). Also called: Cardiomyopathies. Identifiers: Orphanet 167848, MedGen C0878544, MONDO:0004994, HP:0001638. Inheritance: Various modes of inheritance.
Catecholaminergic polymorphic ventricular tachycardia 1. Also called: VENTRICULAR TACHYCARDIA, STRESS-INDUCED POLYMORPHIC 1; VENTRICULAR TACHYCARDIA, CATECHOLAMINERGIC POLYMORPHIC, 1, WITH OR WITHOUT ATRIAL DYSFUNCTION AND/OR DILATED CARDIOMYOPATHY; RYR2-Related Catecholaminergic Polymorphic Ventricular Tachycardia. Identifiers: Orphanet 3286, MedGen C1631597, MONDO:0011484, OMIM 604772.
Cardiovascular phenotype. Identifiers: MedGen CN230736.
Catecholaminergic polymorphic ventricular tachycardia (CVPT). Also called: Catecholamine-induced polymorphic ventricular tachycardia. Identifiers: Orphanet 3286, MedGen C5574922, MONDO:0017990.

Allele frequency attached by ClinVar (database versions not stated): gnomAD 0.00001; gnomAD exomes 0.00001; TOPMed 0.00001.
gnomAD v4.1: 17 of 1,607,014 alleles (0.0011%); highest among the groups gnomAD compares: Non-Finnish European, 0.0014%; no homozygotes.

Submissions (4):

Color Diagnostics, LLC DBA Color Health
Classification: Uncertain significance for Cardiomyopathy. Last evaluated: 2025-11-17. Review status: criteria provided, single submitter. Criteria: ACMG Guidelines, 2015. Collection method: clinical testing. Allele origin: germline.
Comment: This missense variant replaces methionine with leucine at codon 4406 of the RYR2 protein. Computational prediction suggests that this variant may not impact protein structure and function. To our knowledge, functional studies have not been reported for this variant. This variant has not been reported in individuals affected with cardiovascular disorders in the literature. This variant has been identified in 2/31400 chromosomes in the general population by the Genome Aggregation Database (gnomAD). The available evidence is insufficient to determine the role of this variant in disease conclusively. Therefore, this variant is classified as a Variant of Uncertain Significance.

Labcorp Genetics (formerly Invitae), Labcorp
Classification: Uncertain significance for Catecholaminergic polymorphic ventricular tachycardia 1. Last evaluated: 2024-03-18. Review status: criteria provided, single submitter. Criteria: Invitae Variant Classification Sherloc (09022015). Collection method: clinical testing. Allele origin: germline.
Comment: This sequence change replaces methionine, which is neutral and non-polar, with leucine, which is neutral and non-polar, at codon 4406 of the RYR2 protein (p.Met4406Leu). This variant is present in population databases (no rsID available, gnomAD 0.01%). This variant has not been reported in the literature in individuals affected with RYR2-related conditions. ClinVar contains an entry for this variant (Variation ID: 1171449). Advanced modeling of protein sequence and biophysical properties (such as structural, functional, and spatial information, amino acid conservation, physicochemical variation, residue mobility, and thermodynamic stability) performed at Invitae indicates that this missense variant is not expected to disrupt RYR2 protein function with a negative predictive value of 95%. In summary, the available evidence is currently insufficient to determine the role of this variant in disease. Therefore, it has been classified as a Variant of Uncertain Significance.

All of Us Research Program, National Institutes of Health
Classification: Uncertain significance for Catecholaminergic polymorphic ventricular tachycardia. Last evaluated: 2023-10-27. Review status: criteria provided, single submitter. Criteria: ACMG Guidelines, 2015. Collection method: clinical testing. Allele origin: germline. Inheritance: Autosomal dominant inheritance. Observed: 4 variant alleles, 4 heterozygotes.
Comment: This missense variant replaces methionine with leucine at codon 4406 of the RYR2 protein. Computational prediction suggests that this variant may not impact protein structure and function (internally defined REVEL score threshold <= 0.5, PMID: 27666373). To our knowledge, functional studies have not been reported for this variant. This variant has not been reported in individuals affected with cardiovascular disorders in the literature. This variant has been identified in 2/31400 chromosomes in the general population by the Genome Aggregation Database (gnomAD). The available evidence is insufficient to determine the role of this variant in disease conclusively. Therefore, this variant is classified as a Variant of Uncertain Significance.

This study involves interpretation of variants in research participants for the purpose of population health screening. Participant phenotype was not available at the time of variant classification. Additional details can be found in publication PMID: 35346344, PMCID: PMC8962531

Ambry Genetics
Classification: Uncertain significance for Cardiovascular phenotype. Last evaluated: 2022-01-25. Review status: criteria provided, single submitter. Criteria: Ambry Variant Classification Scheme 2023. Collection method: clinical testing. Allele origin: germline.
Comment: The p.M4406L variant (also known as c.13216A>T), located in coding exon 90 of the RYR2 gene, results from an A to T substitution at nucleotide position 13216. The methionine at codon 4406 is replaced by leucine, an amino acid with highly similar properties. This amino acid position is not well conserved in available vertebrate species. In addition, this alteration is predicted to be tolerated by in silico analysis. Since supporting evidence is limited at this time, the clinical significance of this alteration remains unclear.